The following is an entry in ClinVar:

ClinVar aggregate classification (germline): Uncertain significance (1 of 4 stars; one submission).

Conditions:
Menkes kinky-hair syndrome (MNK). Also called: Menkes Disease; Copper transport disease; Classic Menkes Disease. Identifiers: Orphanet 565, MedGen C0022716, MONDO:0010651, OMIM 309400.
Cutis laxa, X-linked (OHS). Also called: EDS IX; Occipital horn syndrome. Identifiers: Orphanet 198, MedGen C0268353, MONDO:0010572, OMIM 304150.
X-linked distal spinal muscular atrophy type 3. Also called: ATP7A-Related Distal Motor Neuropathy; SPINAL MUSCULAR ATROPHY, DISTAL, X-LINKED RECESSIVE; NEURONOPATHY, DISTAL HEREDITARY MOTOR, X-LINKED; NEUROPATHY, DISTAL HEREDITARY MOTOR, X-LINKED. Identifiers: Orphanet 139557, MedGen C1845359, MONDO:0010338, OMIM 300489.

gnomAD v4.1: 1 of 1,209,001 alleles (0.000083%); highest among the groups gnomAD compares: African/African-American, 0.0018%; no homozygotes.

Submission:

Labcorp Genetics (formerly Invitae), Labcorp
Classification: Uncertain significance for X-linked distal spinal muscular atrophy type 3; Cutis laxa, X-linked; Menkes kinky-hair syndrome. Last evaluated: 2025-11-09. Review status: criteria provided, single submitter. Criteria: Invitae Variant Classification Sherloc (09022015). Collection method: clinical testing. Allele origin: germline.
Comment: This sequence change replaces serine, which is neutral and polar, with proline, which is neutral and non-polar, at codon 1146 of the ATP7A protein (p.Ser1146Pro). This variant is not present in population databases (gnomAD no frequency). This variant has not been reported in the literature in individuals affected with ATP7A-related conditions. Invitae Evidence Modeling of protein sequence and biophysical properties (such as structural, functional, and spatial information, amino acid conservation, physicochemical variation, residue mobility, and thermodynamic stability) indicates that this missense variant is not expected to disrupt ATP7A protein function with a negative predictive value of 95%. In summary, the available evidence is currently insufficient to determine the role of this variant in disease. Therefore, it has been classified as a Variant of Uncertain Significance.

NM_000052.7(ATP7A):c.3436T>C (p.Ser1146Pro)

Gene: ATP7A (ATPase copper transporting alpha; plus strand). Cytogenetic location: Xq21.1.
Variant type: single nucleotide variant.
Coding change: c.3436T>C on transcript NM_000052.7 (MANE Select); coding-DNA position 3436, T replaced by C.
Protein change: p.Ser1146Pro; replaces serine 1146 with proline.
Molecular consequence: missense variant. On other transcripts: non-coding transcript variant (1).
Genome position (GRCh38, 1-based): chrX:78,033,746, T>C. VCF-style: chrX-78033746-T-C. GRCh37 (hg19) VCF-style: chrX-77289244-T-C.
Other names: c.3202T>C, p.Ser1068Pro (NM_001282224.2); short protein forms S1146P, S1068P.
Identifiers: ClinVar variation 4790643 (VCV004790643.1).
Genomic context (GRCh38, chrX:78,033,746, plus strand): 5'-ATTGAAGGCTTGCTACATAAGAATAACTGGAATATAGAGGACAATAATATTAAAAATGCA[T>C]CCCTGGTTCAAATTGATGCCAGTAATGAACAGTCATCAACTTCGTCTTCCATGATTATTG-3'
Protein context (NP_000043.4, residues 1136-1156): NIEDNNIKNA[Ser1146Pro]LVQIDASNEQ